The following is an entry in ClinVar:

NM_145725.3(TRAF3):c.874C>T (p.His292Tyr)

Gene: TRAF3 (TNF receptor associated factor 3; plus strand). Cytogenetic location: 14q32.32.
Variant type: single nucleotide variant.
Coding change: c.874C>T on transcript NM_145725.3 (MANE Select); coding-DNA position 874, C replaced by T.
Protein change: p.His292Tyr; replaces histidine 292 with tyrosine.
Molecular consequence: missense variant. On other transcripts: intron variant (1).
Genome position (GRCh38, 1-based): chr14:102,897,315, C>T. VCF-style: chr14-102897315-C-T. GRCh37 (hg19) VCF-style: chr14-103363652-C-T.
Other names: c.625C>T, p.His209Tyr (NM_001199427.2); c.793C>T, p.His265Tyr (NM_001385143.1); c.874C>T, p.His292Tyr (NM_003300.4); c.799C>T, p.His267Tyr (NM_145726.3); c.819+5898C>T (NM_001385142.1); short protein forms H265Y, H267Y, H209Y, H292Y.
Identifiers: ClinVar variation 1470718 (VCV001470718.8), dbSNP rs1566806030, ClinGen allele CA391073793.

ClinVar aggregate classification (germline): Uncertain significance (1 of 4 stars; one submission).

Conditions:
Immunodeficiency 132A. Also called: Herpes simplex encephalitis, susceptibility to, 3. Identifiers: Orphanet 1930, MedGen C3553868, MONDO:0013920, OMIM 614849.

Allele frequency attached by ClinVar (database versions not stated): gnomAD 0.00001; gnomAD exomes below 0.00001.
gnomAD v4.1: 2 of 1,613,596 alleles (0.00012%); highest among the groups gnomAD compares: African/African-American, 0.0027%; no homozygotes.

Submission:

Labcorp Genetics (formerly Invitae), Labcorp
Classification: Uncertain significance for Immunodeficiency 132A. Last evaluated: 2025-01-29. Review status: criteria provided, single submitter. Criteria: Invitae Variant Classification Sherloc (09022015). Collection method: clinical testing. Allele origin: germline.
Comment: This sequence change replaces histidine, which is basic and polar, with tyrosine, which is neutral and polar, at codon 292 of the TRAF3 protein (p.His292Tyr). This variant is present in population databases (no rsID available, gnomAD 0.007%). This variant has not been reported in the literature in individuals affected with TRAF3-related conditions. ClinVar contains an entry for this variant (Variation ID: 1470718). An algorithm developed to predict the effect of missense changes on protein structure and function (PolyPhen-2) suggests that this variant is likely to be tolerated. In summary, the available evidence is currently insufficient to determine the role of this variant in disease. Therefore, it has been classified as a Variant of Uncertain Significance.